The following is an entry in ClinVar:

ClinVar aggregate classification (germline): Uncertain significance. Review status: criteria provided, multiple submitters, no conflicts (2 of 4 stars). 2 submissions from 2 submitters: Uncertain significance (2). Last evaluated 2024-03-21.

Conditions:
Bartter disease type 1. Also called: Bartter Syndrome type 1; HYPOKALEMIC ALKALOSIS WITH HYPERCALCIURIA 1, ANTENATAL; HYPERPROSTAGLANDIN E SYNDROME 1; Bartter syndrome, type 1, antenatal. Identifiers: Orphanet 112, Orphanet 620217, MedGen C1866495, MONDO:0100344, OMIM 601678, MONDO:0011127.

Allele frequency attached by ClinVar (database versions not stated): gnomAD exomes below 0.00001; gnomAD 0.00005; TOPMed 0.00009.
gnomAD v4.1: 15 of 1,612,956 alleles (0.00093%); highest among the groups gnomAD compares: African/African-American, 0.012%; no homozygotes.

Submissions (2):

Fulgent Genetics
Classification: Uncertain significance for Bartter disease type 1. Last evaluated: 2024-03-21. Review status: criteria provided, single submitter. Criteria: ACMG Guidelines, 2015. Collection method: clinical testing. Allele origin: germline.

Labcorp Genetics (formerly Invitae), Labcorp
Classification: Uncertain significance. Last evaluated: 2022-08-21. Review status: criteria provided, single submitter. Criteria: Invitae Variant Classification Sherloc (09022015). Collection method: clinical testing. Allele origin: germline.
Comment: This sequence change replaces isoleucine, which is neutral and non-polar, with valine, which is neutral and non-polar, at codon 338 of the SLC12A1 protein (p.Ile338Val). This variant is present in population databases (no rsID available, gnomAD 0.008%). This variant has not been reported in the literature in individuals affected with SLC12A1-related conditions. Algorithms developed to predict the effect of missense changes on protein structure and function (SIFT, PolyPhen-2, Align-GVGD) all suggest that this variant is likely to be disruptive. In summary, the available evidence is currently insufficient to determine the role of this variant in disease. Therefore, it has been classified as a Variant of Uncertain Significance.

NM_000338.3(SLC12A1):c.1012A>G (p.Ile338Val)

Gene: SLC12A1 (solute carrier family 12 member 1; plus strand). Cytogenetic location: 15q21.1.
Variant type: single nucleotide variant.
Coding change: c.1012A>G on transcript NM_000338.3 (MANE Select); coding-DNA position 1012, A replaced by G.
Protein change: p.Ile338Val; replaces isoleucine 338 with valine.
Molecular consequence: missense variant.
Genome position (GRCh38, 1-based): chr15:48,232,763, A>G. VCF-style: chr15-48232763-A-G. GRCh37 (hg19) VCF-style: chr15-48524960-A-G.
Other names: c.1012A>G, p.Ile338Val (NM_001184832.2, NM_001384136.1); short protein forms I338V.
Identifiers: ClinVar variation 1916370 (VCV001916370.3), dbSNP rs865831704, ClinGen allele CA269462867.